The following is an entry in ClinVar:

ClinVar aggregate classification (germline): Uncertain significance. Review status: criteria provided, multiple submitters, no conflicts (2 of 4 stars). 2 submissions from 2 submitters: Uncertain significance (2). Last evaluated 2022-10-26.

Conditions:
Developmental and epileptic encephalopathy. Identifiers: MedGen C5779964, MONDO:0100620.
Inborn genetic diseases. Identifiers: MedGen C0950123, MeSH D030342.

Allele frequency attached by ClinVar (database versions not stated): gnomAD exomes 0.00001.
gnomAD v4.1: 5 of 1,613,390 alleles (0.00031%); highest among the groups gnomAD compares: East Asian, 0.011%; no homozygotes.

Submissions (2):

Ambry Genetics
Classification: Uncertain significance for Inborn genetic diseases. Last evaluated: 2022-10-26. Review status: criteria provided, single submitter. Criteria: Ambry Variant Classification Scheme 2023. Collection method: clinical testing. Allele origin: germline.

Labcorp Genetics (formerly Invitae), Labcorp
Classification: Uncertain significance for Early-infantile DEE. Last evaluated: 2020-10-01. Review status: criteria provided, single submitter. Criteria: Invitae Variant Classification Sherloc (09022015). Collection method: clinical testing. Allele origin: germline.
Comment: In summary, the available evidence is currently insufficient to determine the role of this variant in disease. Therefore, it has been classified as a Variant of Uncertain Significance. Algorithms developed to predict the effect of missense changes on protein structure and function (SIFT, PolyPhen-2, Align-GVGD) all suggest that this variant is likely to be tolerated, but these predictions have not been confirmed by published functional studies and their clinical significance is uncertain. This variant has not been reported in the literature in individuals with CACNA2D2-related conditions. This variant is not present in population databases (ExAC no frequency). This sequence change replaces alanine with valine at codon 1096 of the CACNA2D2 protein (p.Ala1096Val). The alanine residue is moderately conserved and there is a small physicochemical difference between alanine and valine.

NM_006030.4(CACNA2D2):c.3287C>T (p.Ala1096Val)

Genes: CACNA2D2 (calcium voltage-gated channel auxiliary subunit alpha2delta 2; minus strand), LOC127898564 (CYB561D2-LOC101928965; plus strand). Cytogenetic location: 3p21.31.
Variant type: single nucleotide variant.
Coding change: c.3287C>T on transcript NM_006030.4 (MANE Select); coding-DNA position 3287, C replaced by T.
Protein change: p.Ala1096Val; replaces alanine 1096 with valine.
Molecular consequence: missense variant.
Genome position (GRCh38, 1-based): chr3:50,364,892, G>A on the plus strand (C>T on the coding strand, the complement: CACNA2D2 is on the minus strand). VCF-style: chr3-50364892-G-A. GRCh37 (hg19) VCF-style: chr3-50402323-G-A.
Other names: c.3293C>T, p.Ala1098Val (NM_001005505.3); c.3308C>T, p.Ala1103Val (NM_001174051.3); c.3086C>T, p.Ala1029Val (NM_001291101.1); c.3308C>T (NM_001174051.1); short protein forms A1098V, A1103V, A1029V, A1096V.
Identifiers: ClinVar variation 1036236 (VCV001036236.6), dbSNP rs1575577799, ClinGen allele CA352900388.
Genomic context (GRCh38, chr3:50,364,892, plus strand): 5'-CGGCCTGGGCGGGCGCAAGGCCGCGGGATTTCGGGTCCACCGCCCCCTCTCCTCACTGTC[G>A]CGTTGTAGTCGAAGCAGATGTGCGGGCCTCTCCGGTATCGCGGTCTCTGCACTAGCTCAC-3'
Protein context (NP_006021.2, residues 1086-1106): RGPHICFDYN[Ala1096Val]TEDTSDCGRG